The following is an entry in ClinVar:

ClinVar aggregate classification (germline): Uncertain significance. Review status: criteria provided, multiple submitters, no conflicts (2 of 4 stars). 2 submissions from 2 submitters: Uncertain significance (2). Last evaluated 2024-04-28.

Conditions:
Charcot-Marie-Tooth disease type 2. Also called: Charcot-Marie-Tooth type 2. Identifiers: Orphanet 64746, MedGen C0270914, MONDO:0018993.

Submissions (2):

Ambry Genetics
Classification: Uncertain significance. Last evaluated: 2024-04-28. Review status: criteria provided, single submitter. Criteria: Ambry Variant Classification Scheme 2023. Collection method: clinical testing. Allele origin: germline.
Comment: The p.E239K variant (also known as c.715G>A), located in coding exon 6 of the KIF1B gene, results from a G to A substitution at nucleotide position 715. The glutamic acid at codon 239 is replaced by lysine, an amino acid with similar properties. This amino acid position is conserved. In addition, this alteration is predicted to be deleterious by in silico analysis. Based on the available evidence, the clinical significance of this variant remains unclear.

Labcorp Genetics (formerly Invitae), Labcorp
Classification: Uncertain significance for Charcot-Marie-Tooth disease type 2. Last evaluated: 2022-04-09. Review status: criteria provided, single submitter. Criteria: Invitae Variant Classification Sherloc (09022015). Collection method: clinical testing. Allele origin: germline.
Comment: This sequence change replaces glutamic acid, which is acidic and polar, with lysine, which is basic and polar, at codon 239 of the KIF1B protein (p.Glu239Lys). This variant is not present in population databases (gnomAD no frequency). This variant has not been reported in the literature in individuals affected with KIF1B-related conditions. Algorithms developed to predict the effect of missense changes on protein structure and function are either unavailable or do not agree on the potential impact of this missense change (SIFT: "Tolerated"; PolyPhen-2: "Probably Damaging"; Align-GVGD: "Class C0"). In summary, the available evidence is currently insufficient to determine the role of this variant in disease. Therefore, it has been classified as a Variant of Uncertain Significance.

NM_001365951.3(KIF1B):c.715G>A (p.Glu239Lys)

Gene: KIF1B (kinesin family member 1B; plus strand). Cytogenetic location: 1p36.22.
Variant type: single nucleotide variant.
Coding change: c.715G>A on transcript NM_001365951.3 (MANE Select); coding-DNA position 715, G replaced by A.
Protein change: p.Glu239Lys; replaces glutamic acid 239 with lysine.
Molecular consequence: missense variant.
Genome position (GRCh38, 1-based): chr1:10,268,258, G>A. VCF-style: chr1-10268258-G-A. GRCh37 (hg19) VCF-style: chr1-10328316-G-A.
Other names: c.715G>A, p.Glu239Lys (NM_001365952.1, NM_001365953.1, NM_015074.3 and 1 more transcripts); short protein forms E239K.
Identifiers: ClinVar variation 1978661 (VCV001978661.5), dbSNP rs2521053978, ClinGen allele CA338330682.